The following is an entry in ClinVar:

ClinVar aggregate classification (germline): Benign/Likely benign. Review status: criteria provided, multiple submitters, no conflicts (2 of 4 stars). 4 submissions from 4 submitters: Benign (3); Likely benign (1). Last evaluated 2026-01-24.

Conditions:
Microcytic anemia. Identifiers: MedGen C5194182, MONDO:0001245, HP:0001935. Disease mechanism: loss of function.

Allele frequency attached by ClinVar (database versions not stated): ESP Exome Variant Server 0.00062; gnomAD 0.00592 and 0.00712; TOPMed 0.01034; ExAC 0.01672; gnomAD exomes 0.01879; 1000 Genomes Project 30x 0.02545; 1000 Genomes Project 0.02716.
gnomAD v4.1: 8,811 of 1,612,938 alleles (0.55%); highest among the groups gnomAD compares: East Asian, 12%; 399 homozygotes.

Submissions (4):

Labcorp Genetics (formerly Invitae), Labcorp
Classification: Benign. Last evaluated: 2026-01-24. Review status: criteria provided, single submitter. Criteria: Invitae Variant Classification Sherloc (09022015). Collection method: clinical testing. Allele origin: germline.

Blueprint Genetics
Classification: Likely benign. Last evaluated: 2024-11-25. Review status: criteria provided, single submitter. Criteria: ACMG Guidelines, 2015. Collection method: clinical testing. Allele origin: germline.

Illumina Laboratory Services, Illumina
Classification: Benign for Iron-refractory iron deficiency anemia. Last evaluated: 2018-01-13. Review status: criteria provided, single submitter. Criteria: ICSL Variant Classification Criteria 13 December 2019. Collection method: clinical testing. Allele origin: germline.
Comment: This variant was observed in the ICSL laboratory as part of a predisposition screen in an ostensibly healthy population. It had not been previously curated by ICSL or reported in the Human Gene Mutation Database (HGMD: prior to June 1st, 2018), and was therefore a candidate for classification through an automated scoring system. Utilizing variant allele frequency, disease prevalence and penetrance estimates, and inheritance mode, an automated score was calculated to assess if this variant is too frequent to cause the disease. Based on the score and internal cut-off values, a variant classified as benign is not then subjected to further curation. The score for this variant resulted in a classification of benign for this disease.

Breakthrough Genomics
Classification: Benign. Review status: criteria provided, single submitter. Criteria: ACMG Guidelines, 2015. Collection method: not provided. Allele origin: germline. Inheritance: Autosomal recessive inheritance. Affected: yes.

NM_001374504.1(TMPRSS6):c.1441+12G>A

Gene: TMPRSS6 (transmembrane serine protease 6; minus strand). Cytogenetic location: 22q12.3.
Variant type: single nucleotide variant.
Coding change: c.1441+12G>A on transcript NM_001374504.1 (MANE Select); 12 bases into the intron after coding-DNA position 1441, G replaced by A.
Molecular consequence: intron variant.
Genome position (GRCh38, 1-based): chr22:37,074,598, C>T on the plus strand (G>A on the coding strand, the complement: TMPRSS6 is on the minus strand). VCF-style: chr22-37074598-C-T. GRCh37 (hg19) VCF-style: chr22-37470638-C-T.
Other names: c.1441+12G>A (NM_001289000.2, NM_001289001.2, NM_153609.4).
Identifiers: ClinVar variation 341586 (VCV000341586.16), dbSNP rs78640241, ClinGen allele CA10215614.